The following is an entry in ClinVar:

ClinVar aggregate classification (germline): Uncertain significance (1 of 4 stars; one submission).

gnomAD v4.1: 4 of 1,613,736 alleles (0.00025%); highest among the groups gnomAD compares: Admixed American, 0.0067%; no homozygotes.

Submission:

Labcorp Genetics (formerly Invitae), Labcorp
Classification: Uncertain significance. Last evaluated: 2024-04-03. Review status: criteria provided, single submitter. Criteria: Invitae Variant Classification Sherloc (09022015). Collection method: clinical testing. Allele origin: germline.
Comment: This sequence change replaces lysine, which is basic and polar, with asparagine, which is neutral and polar, at codon 3200 of the CDH23 protein (p.Lys3200Asn). This variant is present in population databases (no rsID available, gnomAD 0.01%). This variant has not been reported in the literature in individuals affected with CDH23-related conditions. Advanced modeling of protein sequence and biophysical properties (such as structural, functional, and spatial information, amino acid conservation, physicochemical variation, residue mobility, and thermodynamic stability) performed at Invitae indicates that this missense variant is not expected to disrupt CDH23 protein function with a negative predictive value of 95%. In summary, the available evidence is currently insufficient to determine the role of this variant in disease. Therefore, it has been classified as a Variant of Uncertain Significance.

NM_022124.6(CDH23):c.9600G>C (p.Lys3200Asn)

Gene: CDH23 (cadherin related 23; plus strand). Cytogenetic location: 10q22.1.
Variant type: single nucleotide variant.
Coding change: c.9600G>C on transcript NM_022124.6 (MANE Select); coding-DNA position 9600, G replaced by C.
Protein change: p.Lys3200Asn; replaces lysine 3200 with asparagine.
Molecular consequence: missense variant.
Genome position (GRCh38, 1-based): chr10:71,812,857, G>C. VCF-style: chr10-71812857-G-C. GRCh37 (hg19) VCF-style: chr10-73572614-G-C.
Other names: c.2880G>C, p.Lys960Asn (NM_001171933.1, NM_001171934.1); c.291G>C, p.Lys97Asn (NM_001171935.1, NM_001171936.1); short protein forms K97N, K3200N, K960N.
Identifiers: ClinVar variation 3683286 (VCV003683286.2).
Genomic context (GRCh38, chr10:71,812,857, plus strand): 5'-CAAGCCTGATGATGACCGATACCTGCGGGCTGCCATCCAGGAGTATGACAACATTGCCAA[G>C]CTGGGCCAGATCATTCGTGAGGGGCCAATCAAGGTGAGCCTTCCCTGCAGGCTCCGCGCC-3'
Protein context (NP_071407.4, residues 3190-3210): AAIQEYDNIA[Lys3200Asn]LGQIIREGPI